The following is an entry in ClinVar:

ClinVar aggregate classification (germline): Uncertain significance (1 of 4 stars; one submission).

Submission:

Labcorp Genetics (formerly Invitae), Labcorp
Classification: Uncertain significance. Last evaluated: 2022-10-17. Review status: criteria provided, single submitter. Criteria: Invitae Variant Classification Sherloc (09022015). Collection method: clinical testing. Allele origin: germline.
Comment: In summary, the available evidence is currently insufficient to determine the role of this variant in disease. Therefore, it has been classified as a Variant of Uncertain Significance. Experimental studies and prediction algorithms are not available or were not evaluated, and the functional significance of this variant is currently unknown. ClinVar contains an entry for this variant (Variation ID: 1490365). This variant has not been reported in the literature in individuals affected with RNF168-related conditions. This variant is not present in population databases (gnomAD no frequency). This sequence change creates a premature translational stop signal (p.Lys485Serfs*34) in the RNF168 gene. While this is not anticipated to result in nonsense mediated decay, it is expected to disrupt the last 87 amino acid(s) of the RNF168 protein.

NM_152617.4(RNF168):c.1454_1455del (p.Lys485fs)

Gene: RNF168 (ring finger protein 168; minus strand). Cytogenetic location: 3q29.
Variant type: Deletion.
Coding change: c.1454_1455del on transcript NM_152617.4 (MANE Select); coding-DNA positions 1454 to 1455, 2 bases deleted (AA; older notation c.1454_1455delAA).
Protein change: p.Lys485fs; shifts the reading frame from lysine 485.
Molecular consequence: frameshift variant.
Genome position (GRCh38, 1-based): chr3:196,472,080-196,472,081, TT deleted on the plus strand (AA on the coding strand, the reverse complement: RNF168 is on the minus strand); deleting any 2 consecutive bases within chr3:196,472,080-196,472,082 gives the same sequence; the c. name uses the placement nearest the transcript's 3' end. VCF-style (leftmost placement, unchanged base first): chr3-196472079-CTT-C. GRCh37 (hg19) VCF-style: chr3-196198950-CTT-C.
Other names: short protein forms K485fs.
Identifiers: ClinVar variation 1490365 (VCV001490365.6), dbSNP rs2108643807, ClinGen allele CA2573136877.